The following is an entry in ClinVar:

NM_000094.4(COL7A1):c.130G>A (p.Asp44Asn)

Gene: COL7A1 (collagen type VII alpha 1 chain; minus strand). Cytogenetic location: 3p21.31.
Variant type: single nucleotide variant.
Coding change: c.130G>A on transcript NM_000094.4 (MANE Select); coding-DNA position 130, G replaced by A.
Protein change: p.Asp44Asn; replaces aspartic acid 44 with asparagine.
Molecular consequence: missense variant.
Genome position (GRCh38, 1-based): chr3:48,594,504, C>T on the plus strand (G>A on the coding strand, the complement: COL7A1 is on the minus strand). VCF-style: chr3-48594504-C-T. GRCh37 (hg19) VCF-style: chr3-48631937-C-T.
Other names: short protein forms D44N.
Identifiers: ClinVar variation 4817356 (VCV004817356.1).

ClinVar aggregate classification (germline): Likely pathogenic (1 of 4 stars; one submission).

Conditions:
Epidermolysis bullosa dystrophica. Also called: Dystrophic epidermolysis bullosa, Hallopeau-Siemens type (formerly); Dystrophic epidermolysis bullosa. Identifiers: Orphanet 303, MedGen C0079294, MONDO:0006543.

Submission:

Natera, Inc.
Classification: Likely pathogenic for Dystrophic epidermolysis bullosa. Last evaluated: 2025-03-22. Review status: criteria provided, single submitter. Criteria: Natera Variant Classification Schema (03/2026). Collection method: clinical testing. Allele origin: germline.
Comment: The c.130G>A variant in COL7A1 is a missense variant predicted to cause substitution of aspartic acid to asparagine at amino acid 44. This variant is rare in the general population with a frequency below the threshold expected for the associated phenotype(s). This variant has been observed in one or more individuals affected with the associated recessive disease, as either homozygous or compound heterozygous with a second variant (PMID: 36287101, 22854212, 37302620, 35950135). Computational prediction algorithms indicate this variant is likely to affect gene or protein function. Given the available evidence, this variant is classified as Likely Pathogenic.

Literature cited by the submitters: PubMed 36287101; PubMed 22854212; PubMed 37302620; PubMed 35950135.